The following is an entry in ClinVar:

ClinVar aggregate classification (germline): Uncertain significance (1 of 4 stars; one submission).

Submission:

Labcorp Genetics (formerly Invitae), Labcorp
Classification: Uncertain significance. Last evaluated: 2024-01-24. Review status: criteria provided, single submitter. Criteria: Invitae Variant Classification Sherloc (09022015). Collection method: clinical testing. Allele origin: germline.
Comment: This sequence change replaces alanine, which is neutral and non-polar, with threonine, which is neutral and polar, at codon 424 of the HTRA2 protein (p.Ala424Thr). This variant is not present in population databases (gnomAD no frequency). This variant has not been reported in the literature in individuals affected with HTRA2-related conditions. ClinVar contains an entry for this variant (Variation ID: 1370943). Advanced modeling of protein sequence and biophysical properties (such as structural, functional, and spatial information, amino acid conservation, physicochemical variation, residue mobility, and thermodynamic stability) performed at Invitae indicates that this missense variant is not expected to disrupt HTRA2 protein function with a negative predictive value of 80%. In summary, the available evidence is currently insufficient to determine the role of this variant in disease. Therefore, it has been classified as a Variant of Uncertain Significance.

NM_013247.5(HTRA2):c.1270G>A (p.Ala424Thr)

Genes: HTRA2 (HtrA serine peptidase 2; plus strand), LOXL3 (lysyl oxidase like 3; minus strand). Cytogenetic location: 2p13.1.
Variant type: single nucleotide variant.
Coding change: c.1270G>A on transcript NM_013247.5 (MANE Select); coding-DNA position 1270, G replaced by A.
Protein change: p.Ala424Thr; replaces alanine 424 with threonine.
Molecular consequence: missense variant. On other transcripts: non-coding transcript variant (4), 3 prime UTR variant (3).
Genome position (GRCh38, 1-based): chr2:74,532,878, G>A. VCF-style: chr2-74532878-G-A. GRCh37 (hg19) VCF-style: chr2-74760005-G-A.
Other names: c.1204G>A, p.Ala402Thr (NM_001321727.1); c.1174G>A, p.Ala392Thr (NM_001321728.1); c.979G>A, p.Ala327Thr (NM_145074.2); c.*728C>T (NM_001289164.3, NM_001289165.2, NM_032603.5); short protein forms A327T, A392T, A402T, A424T.
Identifiers: ClinVar variation 1370943 (VCV001370943.6), dbSNP rs2104381766, ClinGen allele CA347382849.
Genomic context (GRCh38, chr2:74,532,878, plus strand): 5'-AGGGCTGGTCTGCGGCCTGGTGATGTGATTTTGGCCATTGGGGAGCAGATGGTACAAAAT[G>A]CTGAAGATGTTTATGAAGCTGTTCGAACCCAATCCCAGTTGGCAGTGCAGATCCGGCGGG-3'
Protein context (NP_037379.1, residues 414-434): LAIGEQMVQN[Ala424Thr]EDVYEAVRTQ